The following is an entry in ClinVar:

NM_000169.3(GLA):c.363del (p.Asn122fs)

Genes: GLA (galactosidase alpha; minus strand), RPL36A-HNRNPH2 (RPL36A-HNRNPH2 readthrough; plus strand). Cytogenetic location: Xq22.1.
Variant type: Deletion.
Coding change: c.363del on transcript NM_000169.3 (MANE Select); coding-DNA position 363, one base deleted (T; older notation c.363delT).
Protein change: p.Asn122fs; shifts the reading frame from asparagine 122.
Molecular consequence: frameshift variant. On other transcripts: non-coding transcript variant (3), intron variant (2).
Genome position (GRCh38, 1-based): chrX:101,403,817, A deleted on the plus strand (T on the coding strand, the reverse complement: GLA is on the minus strand). VCF-style (leftmost placement, unchanged base first): chrX-101403816-TA-T. GRCh37 (hg19) VCF-style: chrX-100658804-TA-T.
Other names: c.486del, p.Asn163fs (NM_001406747.1, NM_001406749.1); c.363del, p.Asn122fs (NM_001406748.1); c.301-8119del (NM_001199973.2); c.178-8119del (NM_001199974.2); short protein forms N122fs, N163fs.
Identifiers: ClinVar variation 4086948 (VCV004086948.2).

ClinVar aggregate classification (germline): Pathogenic (1 of 4 stars; one submission).

Conditions:
Fabry disease. Also called: ALPHA-GALACTOSIDASE A DEFICIENCY; ANDERSON-FABRY DISEASE; CERAMIDE TRIHEXOSIDASE DEFICIENCY; GLA DEFICIENCY; HEREDITARY DYSTOPIC LIPIDOSIS; Angiokeratoma corporis diffusum. Identifiers: Orphanet 324, MedGen C0002986, MONDO:0010526, OMIM 301500, HP:0001071. Disease mechanism: Fabry disease is due to inactivating mutations in the X-linked GLA gene resulting in deficiency of the enzyme Alpha Galactosidase-A., loss of function.

Submission:

Genomenon, Inc
Classification: Pathogenic for Fabry disease. Last evaluated: 2026-09-08. Review status: criteria provided, single submitter. Criteria: Genomenon Sequence Variant Interpretation Standards - Updated. Collection method: curation. Allele origin: germline. Affected: yes.
Comment: GLA p.Asn122IlefsTer8 (c.363del) is a frameshift variant that is predicted to introduce a premature termination codon and result in a truncated or absent protein product. This variant has been observed in at least one proband with clinical features consistent with Fabry disease (PMID:29982630;35971858;18849176). The variant was found to segregate with disease in at least one affected family (PMID:18849176). Functional or patient cell studies have been reported (PMID:29982630;18849176). It is absent or not present at a significant frequency in gnomAD. In conclusion, we classify GLA p.Asn122IlefsTer8 (c.363del) as a pathogenic variant.

Literature cited by the submitters: PubMed 29982630; PubMed 35971858; PubMed 18849176.